The following is an entry in ClinVar:

ClinVar aggregate classification (germline): Conflicting classifications of pathogenicity. Review status: criteria provided, conflicting classifications (1 of 4 stars). 2 submissions from 2 submitters: Uncertain significance (1); Likely benign (1). Last evaluated 2025-05-01.

Conditions:
Inborn genetic diseases. Identifiers: MedGen C0950123, MeSH D030342.

Allele frequency attached by ClinVar (database versions not stated): gnomAD exomes 0.00001; TOPMed 0.00001; gnomAD 0.00002.
gnomAD v4.1: 19 of 1,613,982 alleles (0.0012%); highest among the groups gnomAD compares: Non-Finnish European, 0.0016%; no homozygotes.

Submissions (2):

Ambry Genetics
Classification: Likely benign for Inborn genetic diseases. Last evaluated: 2025-05-01. Review status: criteria provided, single submitter. Criteria: Ambry Variant Classification Scheme 2023. Collection method: clinical testing. Allele origin: germline.

Labcorp Genetics (formerly Invitae), Labcorp
Classification: Uncertain significance. Last evaluated: 2024-10-25. Review status: criteria provided, single submitter. Criteria: Invitae Variant Classification Sherloc (09022015). Collection method: clinical testing. Allele origin: germline.
Comment: This sequence change replaces valine, which is neutral and non-polar, with isoleucine, which is neutral and non-polar, at codon 226 of the UNC80 protein (p.Val226Ile). This variant is not present in population databases (gnomAD no frequency). This variant has not been reported in the literature in individuals affected with UNC80-related conditions. ClinVar contains an entry for this variant (Variation ID: 1901473). An algorithm developed to predict the effect of missense changes on protein structure and function (PolyPhen-2) suggests that this variant is likely to be disruptive. In summary, the available evidence is currently insufficient to determine the role of this variant in disease. Therefore, it has been classified as a Variant of Uncertain Significance.

NM_001371986.1(UNC80):c.676G>A (p.Val226Ile)

Gene: UNC80 (unc-80 subunit of NALCN channel complex; plus strand). Cytogenetic location: 2q34.
Variant type: single nucleotide variant.
Coding change: c.676G>A on transcript NM_001371986.1 (MANE Select); coding-DNA position 676, G replaced by A.
Protein change: p.Val226Ile; replaces valine 226 with isoleucine.
Molecular consequence: missense variant.
Genome position (GRCh38, 1-based): chr2:209,786,141, G>A. VCF-style: chr2-209786141-G-A. GRCh37 (hg19) VCF-style: chr2-210650865-G-A.
Other names: c.676G>A (NM_032504.1); c.676G>A, p.Val226Ile (NM_032504.2, NM_182587.4); short protein forms V226I.
Identifiers: ClinVar variation 1901473 (VCV001901473.6), dbSNP rs1382707981, ClinGen allele CA350131742.
Genomic context (GRCh38, chr2:209,786,141, plus strand): 5'-TTCCGTCTGGCCAGTGGGCTTGTTATATGGCAGCCCATGTGGGAACACAGACAGCCCGGA[G>A]TCTCTGGCTTTACCGCACTGGTGAAGCCCATCAGGAACATCATTACAGGTTTGTAACTTG-3'
Protein context (NP_001358915.1, residues 216-236): QPMWEHRQPG[Val226Ile]SGFTALVKPI